The following is an entry in ClinVar:

NM_002432.3(MNDA):c.223C>T (p.Leu75Phe)

Gene: MNDA (myeloid cell nuclear differentiation antigen; plus strand). Cytogenetic location: 1q23.1.
Variant type: single nucleotide variant.
Coding change: c.223C>T on transcript NM_002432.3 (MANE Select); coding-DNA position 223, C replaced by T.
Protein change: p.Leu75Phe; replaces leucine 75 with phenylalanine.
Molecular consequence: missense variant.
Genome position (GRCh38, 1-based): chr1:158,842,376, C>T. VCF-style: chr1-158842376-C-T. GRCh37 (hg19) VCF-style: chr1-158812166-C-T.
Other names: short protein forms L75F.
Identifiers: ClinVar variation 1788249 (VCV001788249.2), dbSNP rs774756701, ClinGen allele CA1185517.

ClinVar aggregate classification (germline): Uncertain significance (1 of 4 stars; one submission).

Allele frequency attached by ClinVar (database versions not stated): ExAC 0.00001; gnomAD 0.00001; TOPMed 0.00001.
gnomAD v4.1: 7 of 1,612,742 alleles (0.00043%); highest among the groups gnomAD compares: East Asian, 0.016%; no homozygotes.

Submission:

Ambry Genetics
Classification: Uncertain significance. Last evaluated: 2023-10-28. Review status: criteria provided, single submitter. Criteria: Ambry Variant Classification Scheme 2023. Collection method: clinical testing. Allele origin: germline.
Comment: The p.L75F variant (also known as c.223C>T), located in coding exon 1 of the MNDA gene, results from a C to T substitution at nucleotide position 223. The leucine at codon 75 is replaced by phenylalanine, an amino acid with highly similar properties. This amino acid position is conserved. In addition, this alteration is predicted to be tolerated by in silico analysis. Since supporting evidence is limited at this time, the clinical significance of this alteration remains unclear.